The following is an entry in ClinVar:

NM_014915.3(ANKRD26):c.4391A>G (p.His1464Arg)

Gene: ANKRD26 (ankyrin repeat domain 26; minus strand). Cytogenetic location: 10p12.1.
Variant type: single nucleotide variant.
Coding change: c.4391A>G on transcript NM_014915.3 (MANE Select); coding-DNA position 4391, A replaced by G.
Protein change: p.His1464Arg; replaces histidine 1464 with arginine.
Molecular consequence: missense variant.
Genome position (GRCh38, 1-based): chr10:27,017,617, T>C on the plus strand (A>G on the coding strand, the complement: ANKRD26 is on the minus strand). VCF-style: chr10-27017617-T-C. GRCh37 (hg19) VCF-style: chr10-27306546-T-C.
Other names: c.4388A>G, p.His1463Arg (NM_001256053.2); short protein forms H1463R, H1464R.
Identifiers: ClinVar variation 4580319 (VCV004580319.1).

ClinVar aggregate classification (germline): Uncertain significance (1 of 4 stars; one submission).

Conditions:
Inborn genetic diseases. Identifiers: MedGen C0950123, MeSH D030342.

gnomAD v4.1: 7 of 1,613,602 alleles (0.00043%); highest among the groups gnomAD compares: Non-Finnish European, 0.00059%; no homozygotes.

Submission:

Ambry Genetics
Classification: Uncertain significance for Inborn genetic diseases. Last evaluated: 2025-12-04. Review status: criteria provided, single submitter. Criteria: Ambry Variant Classification Scheme 2023. Collection method: clinical testing. Allele origin: germline.
Comment: The p.H1464R variant (also known as c.4391A>G), located in coding exon 30 of the ANKRD26 gene, results from an A to G substitution at nucleotide position 4391. The histidine at codon 1464 is replaced by arginine, an amino acid with highly similar properties. This amino acid position is conserved. In addition, this alteration is predicted to be tolerated by in silico analysis. Based on the available evidence, the clinical significance of this variant remains unclear.